The following is an entry in ClinVar:

NM_007118.4(TRIO):c.6645G>T (p.Lys2215Asn)

Gene: TRIO (trio Rho guanine nucleotide exchange factor; plus strand). Cytogenetic location: 5p15.2.
Variant type: single nucleotide variant.
Coding change: c.6645G>T on transcript NM_007118.4 (MANE Select); coding-DNA position 6645, G replaced by T.
Protein change: p.Lys2215Asn; replaces lysine 2215 with asparagine.
Molecular consequence: missense variant. On other transcripts: non-coding transcript variant (1).
Genome position (GRCh38, 1-based): chr5:14,482,761, G>T. VCF-style: chr5-14482761-G-T. GRCh37 (hg19) VCF-style: chr5-14482870-G-T.
Other names: short protein forms K2215N.
Identifiers: ClinVar variation 3383508 (VCV003383508.4).

ClinVar aggregate classification (germline): Uncertain significance. Review status: criteria provided, multiple submitters, no conflicts (2 of 4 stars). 2 submissions from 2 submitters: Uncertain significance (2). Last evaluated 2025-07-09.

Submissions (2):

GeneDx
Classification: Uncertain significance. Last evaluated: 2025-07-09. Review status: criteria provided, single submitter. Criteria: GeneDx Variant Classification Process June 2021. Collection method: clinical testing. Allele origin: germline. Affected: yes.
Comment: Not observed at significant frequency in large population cohorts (gnomAD); In silico analysis supports that this missense variant has a deleterious effect on protein structure/function; Has not been previously published as pathogenic or benign to our knowledge

Dasa
Classification: Uncertain significance. Last evaluated: 2025-03-08. Review status: criteria provided, single submitter. Criteria: DASA Assertion Criteria. Collection method: clinical testing. Allele origin: germline.
Comment: NM_007118.4(TRIO):c.6645G>T (p.Lys2215Asn) is a missense variant that results in the substitution of lysine with asparagine. This variant is absent from population databases. The currently available literature and clinical evidence are not sufficient to establish a definitive association between this variant and the reported condition. Therefore, this variant is classified as a variant of uncertain significance.